The following is an entry in ClinVar:

ClinVar aggregate classification (germline): Uncertain significance (1 of 4 stars; one submission).

Conditions:
Familial thoracic aortic aneurysm and aortic dissection (TAAD). Also called: Thoracic aortic aneurysms and dissections. Identifiers: Orphanet 91387, MedGen C4707243, MONDO:0019625.

Allele frequency attached by ClinVar (database versions not stated): gnomAD exomes below 0.00001.
gnomAD v4.1: 2 of 1,614,204 alleles (0.00012%); highest among the groups gnomAD compares: Non-Finnish European, 0.00017%; no homozygotes.

Submission:

Ambry Genetics
Classification: Uncertain significance for Familial thoracic aortic aneurysm and aortic dissection. Last evaluated: 2022-06-14. Review status: criteria provided, single submitter. Criteria: Ambry Variant Classification Scheme 2023. Collection method: clinical testing. Allele origin: germline.
Comment: The p.N235S variant (also known as c.704A>G), located in coding exon 4 of the TGFB3 gene, results from an A to G substitution at nucleotide position 704. The asparagine at codon 235 is replaced by serine, an amino acid with highly similar properties. This amino acid position is conserved. In addition, this alteration is predicted to be tolerated by in silico analysis. Since supporting evidence is limited at this time, the clinical significance of this alteration remains unclear.

NM_003239.5(TGFB3):c.704A>G (p.Asn235Ser)

Gene: TGFB3 (transforming growth factor beta 3; minus strand). Cytogenetic location: 14q24.3.
Variant type: single nucleotide variant.
Coding change: c.704A>G on transcript NM_003239.5 (MANE Select); coding-DNA position 704, A replaced by G.
Protein change: p.Asn235Ser; replaces asparagine 235 with serine.
Molecular consequence: missense variant.
Genome position (GRCh38, 1-based): chr14:75,965,638, T>C on the plus strand (A>G on the coding strand, the complement: TGFB3 is on the minus strand). VCF-style: chr14-75965638-T-C. GRCh37 (hg19) VCF-style: chr14-76431981-T-C.
Other names: c.704A>G, p.Asn235Ser (NM_001329938.2, NM_001329939.2); short protein forms N235S.
Identifiers: ClinVar variation 1756867 (VCV001756867.2), dbSNP rs2504102936, ClinGen allele CA390468914.